The following is an entry in ClinVar:

NM_005585.5(SMAD6):c.1294C>T (p.Pro432Ser)

Gene: SMAD6 (SMAD family member 6; plus strand). Cytogenetic location: 15q22.31.
Variant type: single nucleotide variant.
Coding change: c.1294C>T on transcript NM_005585.5 (MANE Select); coding-DNA position 1294, C replaced by T.
Protein change: p.Pro432Ser; replaces proline 432 with serine.
Molecular consequence: missense variant. On other transcripts: non-coding transcript variant (1).
Genome position (GRCh38, 1-based): chr15:66,781,338, C>T. VCF-style: chr15-66781338-C-T. GRCh37 (hg19) VCF-style: chr15-67073676-C-T.
Other names: short protein forms P432S.
Identifiers: ClinVar variation 2124898 (VCV002124898.4), dbSNP rs758115595, ClinGen allele CA393202242.

ClinVar aggregate classification (germline): Uncertain significance (1 of 4 stars; one submission).

Conditions:
Aortic valve disease 2 (AOVD2). Identifiers: MedGen C3542024, MONDO:0013902, OMIM 614823.

Submission:

Labcorp Genetics (formerly Invitae), Labcorp
Classification: Uncertain significance for Aortic valve disease 2. Last evaluated: 2022-04-11. Review status: criteria provided, single submitter. Criteria: Invitae Variant Classification Sherloc (09022015). Collection method: clinical testing. Allele origin: germline.
Comment: In summary, the available evidence is currently insufficient to determine the role of this variant in disease. Therefore, it has been classified as a Variant of Uncertain Significance. Algorithms developed to predict the effect of missense changes on protein structure and function (SIFT, PolyPhen-2, Align-GVGD) all suggest that this variant is likely to be disruptive. This variant has not been reported in the literature in individuals affected with SMAD6-related conditions. This variant is not present in population databases (gnomAD no frequency). This sequence change replaces proline, which is neutral and non-polar, with serine, which is neutral and polar, at codon 432 of the SMAD6 protein (p.Pro432Ser).